The following is an entry in ClinVar:

NM_020821.3(VPS13C):c.5490T>G (p.Ile1830Met)

Gene: VPS13C (vacuolar protein sorting 13 homolog C; minus strand). Cytogenetic location: 15q22.2.
Variant type: single nucleotide variant.
Coding change: c.5490T>G on transcript NM_020821.3 (MANE Select); coding-DNA position 5490, T replaced by G.
Protein change: p.Ile1830Met; replaces isoleucine 1830 with methionine.
Molecular consequence: missense variant.
Genome position (GRCh38, 1-based): chr15:61,940,758, A>C on the plus strand (T>G on the coding strand, the complement: VPS13C is on the minus strand). VCF-style: chr15-61940758-A-C. GRCh37 (hg19) VCF-style: chr15-62232957-A-C.
Other names: p.Ile1830Met; c.5490T>G, p.Ile1830Met (NM_001018088.3); c.5361T>G, p.Ile1787Met (NM_017684.5, NM_018080.4); short protein forms I1787M, I1830M.
Identifiers: ClinVar variation 2683313 (VCV002683313.1), dbSNP rs758772899, ClinGen allele CA7595819.

ClinVar aggregate classification (germline): Uncertain significance (1 of 4 stars; one submission).

Allele frequency attached by ClinVar (database versions not stated): gnomAD exomes below 0.00001; ExAC 0.00001.
gnomAD v4.1: 1 of 1,613,560 alleles (0.000062%); no homozygotes.

Submission:

Mayo Clinic Laboratories, Mayo Clinic
Classification: Uncertain significance. Last evaluated: 2023-04-20. Review status: criteria provided, single submitter. Criteria: ACMG Guidelines, 2015. Collection method: clinical testing. Allele origin: germline. Observed: 1 variant allele.
Comment: BP4, PM2